The following is an entry in ClinVar:

ClinVar aggregate classification (germline): Uncertain significance (1 of 4 stars; one submission).

Submission:

Dasa
Classification: Uncertain significance. Last evaluated: 2025-05-06. Review status: criteria provided, single submitter. Criteria: DASA Assertion Criteria. Collection method: clinical testing. Allele origin: germline.
Comment: NM_133433.4(NIPBL):c.490A>G (p.Asn164Asp) is a missense variant that results in the substitution of asparagine with aspartic acid. This variant is absent from population databases. Computational prediction algorithms are consistent with a benign effect. The currently available literature and clinical evidence are not sufficient to establish a definitive association between this variant and the reported condition. Therefore, this variant is classified as a variant of uncertain significance.

NM_133433.4(NIPBL):c.490A>G (p.Asn164Asp)

Gene: NIPBL (NIPBL cohesin loading factor; plus strand). Cytogenetic location: 5p13.2.
Variant type: single nucleotide variant.
Coding change: c.490A>G on transcript NM_133433.4 (MANE Select); coding-DNA position 490, A replaced by G.
Protein change: p.Asn164Asp; replaces asparagine 164 with aspartic acid.
Molecular consequence: missense variant.
Genome position (GRCh38, 1-based): chr5:36,962,154, A>G. VCF-style: chr5-36962154-A-G. GRCh37 (hg19) VCF-style: chr5-36962256-A-G.
Other names: c.490A>G, p.Asn164Asp (NM_001438586.1, NM_015384.5); short protein forms N164D.
Identifiers: ClinVar variation 4881109 (VCV004881109.2).